The following is an entry in ClinVar:

ClinVar aggregate classification (germline): Conflicting classifications of pathogenicity. Review status: criteria provided, conflicting classifications (1 of 4 stars). 2 submissions from 2 submitters: Uncertain significance (1); Likely benign (1). Last evaluated 2025-01-22.

Conditions:
Hereditary sensory and autonomic neuropathy type 7. Also called: HSAN VII; Neuropathy, hereditary sensory and autonomic, type VII. Identifiers: Orphanet 391397, MedGen C3809882, MONDO:0014244, OMIM 615548.
Familial episodic pain syndrome with predominantly lower limb involvement. Also called: Episodic pain syndrome, familial, 3. Identifiers: Orphanet 391384, Orphanet 391392, MedGen C3809899, MONDO:0014247, OMIM 615552.
Inborn genetic diseases. Identifiers: MedGen C0950123, MeSH D030342.

Allele frequency attached by ClinVar (database versions not stated): gnomAD 0.00001 and 0.00002; ExAC 0.00002; gnomAD exomes 0.00003; TOPMed 0.00003; ESP Exome Variant Server 0.00008.

Submissions (2):

Labcorp Genetics (formerly Invitae), Labcorp
Classification: Uncertain significance for Familial episodic pain syndrome with predominantly lower limb involvement; Hereditary sensory and autonomic neuropathy type 7. Last evaluated: 2025-01-22. Review status: criteria provided, single submitter. Criteria: Invitae Variant Classification Sherloc (09022015). Collection method: clinical testing. Allele origin: germline.
Comment: This sequence change replaces proline, which is neutral and non-polar, with leucine, which is neutral and non-polar, at codon 741 of the SCN11A protein (p.Pro741Leu). This variant is present in population databases (rs369499148, gnomAD 0.03%). This variant has not been reported in the literature in individuals affected with SCN11A-related conditions. ClinVar contains an entry for this variant (Variation ID: 1352340). An algorithm developed to predict the effect of missense changes on protein structure and function (PolyPhen-2) suggests that this variant¬¨‚Ä†is likely to be tolerated. In summary, the available evidence is currently insufficient to determine the role of this variant in disease. Therefore, it has been classified as a Variant of Uncertain Significance.

Ambry Genetics
Classification: Likely benign for Inborn genetic diseases. Last evaluated: 2022-02-03. Review status: criteria provided, single submitter. Criteria: Ambry Variant Classification Scheme 2023. Collection method: clinical testing. Allele origin: germline.

NM_001349253.2(SCN11A):c.2222C>T (p.Pro741Leu)

Gene: SCN11A (sodium voltage-gated channel alpha subunit 11; minus strand). Cytogenetic location: 3p22.2.
Variant type: single nucleotide variant.
Coding change: c.2222C>T on transcript NM_001349253.2 (MANE Select); coding-DNA position 2222, C replaced by T.
Protein change: p.Pro741Leu; replaces proline 741 with leucine.
Molecular consequence: missense variant.
Genome position (GRCh38, 1-based): chr3:38,897,026, G>A on the plus strand (C>T on the coding strand, the complement: SCN11A is on the minus strand). VCF-style: chr3-38897026-G-A. GRCh37 (hg19) VCF-style: chr3-38938517-G-A.
Other names: c.2222C>T, p.Pro741Leu (NM_014139.3); c.2222C>T (NM_014139.2); short protein forms P741L.
Identifiers: ClinVar variation 1352340 (VCV001352340.8), dbSNP rs369499148, ClinGen allele CA2322107.